The following is an entry in ClinVar:

ClinVar aggregate classification (germline): Benign (0 of 4 stars; one submission).

Conditions:
FUZ-related disorder. Also called: FUZ-related condition.

Allele frequency attached by ClinVar (database versions not stated): gnomAD exomes 0.00981; ESP Exome Variant Server 0.02284; ExAC 0.02662; gnomAD 0.03237; TOPMed 0.03834; 1000 Genomes Project 0.05891; 1000 Genomes Project 30x 0.05903.

Submission:

PreventionGenetics, part of Exact Sciences
Classification: Benign for FUZ-related condition. Last evaluated: 2019-04-15. Review status: no assertion criteria provided. Collection method: clinical testing. Allele origin: germline.
Comment: This variant is classified as benign based on ACMG/AMP sequence variant interpretation guidelines (Richards et al. 2015 PMID: 25741868, with internal and published modifications).

NM_025129.5(FUZ):c.1199C>T (p.Thr400Ile)

Gene: FUZ (fuzzy planar cell polarity protein; minus strand). Cytogenetic location: 19q13.33.
Variant type: single nucleotide variant.
Coding change: c.1199C>T on transcript NM_025129.5 (MANE Select); coding-DNA position 1199, C replaced by T.
Protein change: p.Thr400Ile; replaces threonine 400 with isoleucine.
Molecular consequence: missense variant. On other transcripts: non-coding transcript variant (1).
Genome position (GRCh38, 1-based): chr19:49,807,209, G>A on the plus strand (C>T on the coding strand, the complement: FUZ is on the minus strand). VCF-style: chr19-49807209-G-A. GRCh37 (hg19) VCF-style: chr19-50310466-G-A.
Other names: c.1091C>T, p.Thr364Ile (NM_001171937.2); c.1202C>T, p.Thr401Ile (NM_001352262.2); c.1049C>T, p.Thr350Ile (NM_001363663.1); short protein forms T350I, T364I, T400I, T401I.
Identifiers: ClinVar variation 3059634 (VCV003059634.2), dbSNP rs12610577, ClinGen allele CA9584190.